The following is an entry in ClinVar:

ClinVar aggregate classification (germline): Uncertain significance (1 of 4 stars; one submission).

Submission:

CeGaT Center for Human Genetics Tuebingen
Classification: Uncertain significance. Last evaluated: 2022-10-01. Review status: criteria provided, single submitter. Criteria: CeGaT Center For Human Genetics Tuebingen Variant Classification Criteria Version 2. Collection method: clinical testing. Allele origin: germline. Affected: yes. Observed: 1 variant allele.
Comment: TBX1: PM2

NM_001379200.1(TBX1):c.1062C>A (p.Phe354Leu)

Gene: TBX1 (T-box transcription factor 1; plus strand). Cytogenetic location: 22q11.21.
Variant type: single nucleotide variant.
Coding change: c.1062C>A on transcript NM_001379200.1 (MANE Select); coding-DNA position 1062, C replaced by A.
Protein change: p.Phe354Leu; replaces phenylalanine 354 with leucine.
Molecular consequence: missense variant. On other transcripts: intron variant (2).
Genome position (GRCh38, 1-based): chr22:19,766,414, C>A. VCF-style: chr22-19766414-C-A. GRCh37 (hg19) VCF-style: chr22-19753937-C-A.
Other names: c.1035C>A, p.Phe345Leu (NM_080647.1); c.1009+412C>A (NM_005992.1, NM_080646.2); short protein forms F345L, F354L.
Identifiers: ClinVar variation 2652869 (VCV002652869.24), dbSNP rs1936845627, ClinGen allele CA410684011.